The following is an entry in ClinVar:

ClinVar aggregate classification (germline): Uncertain significance (1 of 4 stars; one submission).

Submission:

CeGaT Center for Human Genetics Tuebingen
Classification: Uncertain significance. Last evaluated: 2023-08-01. Review status: criteria provided, single submitter. Criteria: CeGaT Center For Human Genetics Tuebingen Variant Classification Criteria Version 2. Collection method: clinical testing. Allele origin: germline. Affected: yes. Observed: 1 variant allele.
Comment: REST: PM2, BP4

NM_005612.5(REST):c.1591C>T (p.His531Tyr)

Gene: REST (RE1 silencing transcription factor; plus strand). Cytogenetic location: 4q12.
Variant type: single nucleotide variant.
Coding change: c.1591C>T on transcript NM_005612.5 (MANE Select); coding-DNA position 1591, C replaced by T.
Protein change: p.His531Tyr; replaces histidine 531 with tyrosine.
Molecular consequence: missense variant.
Genome position (GRCh38, 1-based): chr4:56,930,449, C>T. VCF-style: chr4-56930449-C-T. GRCh37 (hg19) VCF-style: chr4-57796615-C-T.
Other names: c.1591C>T, p.His531Tyr (NM_001193508.2, NM_001363453.3); short protein forms H531Y.
Identifiers: ClinVar variation 2654775 (VCV002654775.24), dbSNP rs2475849814, ClinGen allele CA357006969.